The following is an entry in ClinVar:

ClinVar aggregate classification (germline): Pathogenic (1 of 4 stars; one submission).

Submission:

CeGaT Center for Human Genetics Tuebingen
Classification: Pathogenic. Last evaluated: 2023-03-01. Review status: criteria provided, single submitter. Criteria: CeGaT Center For Human Genetics Tuebingen Variant Classification Criteria Version 2. Collection method: clinical testing. Allele origin: germline. Affected: yes. Observed: 1 variant allele.
Comment: DST: PVS1, PM2

NM_001374736.1(DST):c.20987_20988dup (p.Asp6997fs)

Gene: DST (dystonin; minus strand). Cytogenetic location: 6p12.1.
Variant type: Duplication.
Coding change: c.20987_20988dup on transcript NM_001374736.1 (MANE Select); coding-DNA positions 20987 to 20988, 2 bases duplicated (AT; older notation c.20987_20988dupAT).
Protein change: p.Asp6997fs; shifts the reading frame from aspartic acid 6997.
Molecular consequence: frameshift variant.
Genome position (GRCh38, 1-based): chr6:56,487,163-56,487,164, AT duplicated on the plus strand (AT on the coding strand, the reverse complement: DST is on the minus strand). VCF-style (leftmost placement, unchanged base first): chr6-56487162-C-CAT. GRCh37 (hg19) VCF-style: chr6-56351960-C-CAT.
Other names: c.14630_14631dup, p.Asp4878fs (NM_001144769.5); c.14216_14217dup, p.Asp4740fs (NM_001144770.2); c.20987_20988dup, p.Asp6997fs (NM_001374722.1); c.20027_20028dup, p.Asp6677fs (NM_001374729.1); c.13769_13770dup, p.Asp4591fs (NM_001374730.1); c.21014_21015dup, p.Asp7006fs (NM_001374734.1); c.14096_14097dup, p.Asp4700fs (NM_001386100.1, NM_183380.4); c.13118_13119dup, p.Asp4374fs (NM_015548.5); short protein forms D4374fs, D4591fs, D4700fs, D4740fs, D4878fs, D6677fs, D6997fs, D7006fs.
Identifiers: ClinVar variation 2499012 (VCV002499012.28), dbSNP rs2533826804, ClinGen allele CA2580075570.